The following is an entry in ClinVar:

NM_000548.5(TSC2):c.2957dup (p.Val987fs)

Gene: TSC2 (TSC complex subunit 2; plus strand). Cytogenetic location: 16p13.3.
Variant type: Duplication.
Coding change: c.2957dup on transcript NM_000548.5 (MANE Select); coding-DNA position 2957, one base duplicated (T; older notation c.2957dupT).
Protein change: p.Val987fs; shifts the reading frame from valine 987.
Molecular consequence: frameshift variant. On other transcripts: intron variant (9).
Genome position (GRCh38, 1-based): chr16:2,077,717, T duplicated. VCF-style (leftmost placement, unchanged base first): chr16-2077716-G-GT. GRCh37 (hg19) VCF-style: chr16-2127717-G-GT.
Other names: c.2957dup, p.Val987fs (NM_001114382.3); c.2837+1132dup (NM_021055.3, NM_001370405.1, NM_001363528.2 and 2 more transcripts); c.2726+1132dup (NM_001318827.2); c.2237+1132dup (NM_001318831.2); c.2690+1132dup (NM_001318829.2); c.2870+1132dup (NM_001318832.2); c.2957dupT (NM_000548.3, NM_000548.4); short protein forms V987fs.
Identifiers: ClinVar variation 1468748 (VCV001468748.10), dbSNP rs2089598055, ClinGen allele CA973768084.
Genomic context (GRCh38, chr16:2,077,716, plus strand): 5'-TTCAAGGAGAGCTCTGCAGCCGAGGCCTTCCGGTGCCGCAGCATCAGTGTGTCTGAACAT[G>GT]TGGTCCGCAGGTAGCGGGACTGTCGGGTGGGGGGCACGGACCCTGGAGCTTGGCCCCGTG-3'

ClinVar aggregate classification (germline): Conflicting classifications of pathogenicity. Review status: criteria provided, conflicting classifications (1 of 4 stars). 3 submissions from 3 submitters: Likely pathogenic (1); Uncertain significance (2). Last evaluated 2025-03-08.

Conditions:
Tuberous sclerosis 2 (TSC2). Identifiers: Orphanet 805, MedGen C1860707, MONDO:0013199, OMIM 613254.
TSC2-related disorder. Also called: TSC2-related condition; TSC2-Related Disorders.
Hereditary cancer-predisposing syndrome. Also called: Neoplastic Syndromes, Hereditary; Hereditary Cancer Syndrome; Tumor predisposition; Hereditary neoplastic syndrome. Identifiers: Orphanet 140162, MedGen C0027672, MeSH D009386, MONDO:0015356.

Allele frequency attached by ClinVar (database versions not stated): TOPMed below 0.00001; gnomAD 0.00001.

Submissions (3):

Ambry Genetics
Classification: Uncertain significance for Hereditary cancer-predisposing syndrome. Last evaluated: 2025-03-08. Review status: criteria provided, single submitter. Criteria: Ambry Variant Classification Scheme 2023. Collection method: clinical testing. Allele origin: germline.
Comment: The c.2957dupT variant, located in coding exon 25 of the TSC2 gene, results from a duplication of T at nucleotide position 2957, causing a translational frameshift with a predicted alternate stop codon (p.V987Gfs*19). This alteration is expected to result in loss of function by premature protein truncation or nonsense-mediated mRNA decay. However, this variant occurs in an exon that is absent in biologically relevant transcripts (Ekong R et al. Hum. Mutat., 2016 Apr;37:364-70). Since supporting evidence is limited at this time, the clinical significance of this alteration remains unclear.

PreventionGenetics, part of Exact Sciences
Classification: Likely pathogenic for TSC2-related condition. Last evaluated: 2023-01-13. Review status: criteria provided, single submitter. Criteria: ACMG Guidelines, 2015. Collection method: clinical testing. Allele origin: germline.
Comment: The TSC2 c.2957dupT variant is predicted to result in a frameshift and premature protein termination (p.Val987Glyfs*19). To our knowledge, this variant has not been reported in the literature or in a large population database, indicating this variant is rare. Frameshift variants in TSC2 are expected to be pathogenic. This variant is interpreted as likely pathogenic.

Labcorp Genetics (formerly Invitae), Labcorp
Classification: Uncertain significance for Tuberous sclerosis 2. Last evaluated: 2021-02-19. Review status: criteria provided, single submitter. Criteria: Invitae Variant Classification Sherloc (09022015). Collection method: clinical testing. Allele origin: germline.
Comment: Loss-of-function variants, including donor and acceptor splice site variants, typically lead to a loss of protein function (PMID: 16199547), and loss-of-function variants in TSC2 are known to be pathogenic (PMID: 10205261, 17304050). However, exon 26 (sometimes referred to as exon 25 in the literature) has been shown to undergo alternative splicing and results in transcripts lacking exon 26 in many adult human tissues (PMID: 26703369). In summary, the available evidence is currently insufficient to determine the role of this variant in disease. Therefore, it has been classified as a Variant of Uncertain Significance. This variant has not been reported in the literature in individuals with TSC2-related conditions. This variant is not present in population databases (ExAC no frequency). This sequence change creates a premature translational stop signal (p.Val987Glyfs*19) in the TSC2 gene. However, it is currently unclear if variants that occur in this region of the gene cause disease.

Literature cited by the submitters: PubMed 16199547 (cited by Labcorp Genetics (formerly Invitae), Labcorp); PubMed 10205261 (cited by Labcorp Genetics (formerly Invitae), Labcorp); PubMed 17304050 (cited by Labcorp Genetics (formerly Invitae), Labcorp); PubMed 26703369 (cited by Labcorp Genetics (formerly Invitae), Labcorp).